The following is an entry in ClinVar:

NM_025137.4(SPG11):c.6878G>A (p.Arg2293Gln)

Gene: SPG11 (SPG11 vesicle trafficking associated, spatacsin; minus strand). Cytogenetic location: 15q21.1.
Variant type: single nucleotide variant.
Coding change: c.6878G>A on transcript NM_025137.4 (MANE Select); coding-DNA position 6878, G replaced by A.
Protein change: p.Arg2293Gln; replaces arginine 2293 with glutamine.
Molecular consequence: missense variant.
Genome position (GRCh38, 1-based): chr15:44,565,975, C>T on the plus strand (G>A on the coding strand, the complement: SPG11 is on the minus strand). VCF-style: chr15-44565975-C-T. GRCh37 (hg19) VCF-style: chr15-44858173-C-T.
Other names: p.Arg2293Gln; c.6539G>A, p.Arg2180Gln (NM_001160227.2); short protein forms R2293Q, R2180Q.
Identifiers: ClinVar variation 522343 (VCV000522343.39), dbSNP rs201721414, ClinGen allele CA7533962.

ClinVar aggregate classification (germline): Uncertain significance. Review status: criteria provided, multiple submitters, no conflicts (2 of 4 stars). 13 submissions from 11 submitters: Uncertain significance (12). 1 of the submissions does not count toward it. Last evaluated 2026-04-01.

Conditions:
Hereditary spastic paraplegia 11. Also called: Spastic Paraplegia 11; Nakamura Osame syndrome; Autosomal recessive hereditary spastic paraplegia, mental impairment, and thin corpus callosum; Spastic paraplegia, mental retardation and thin corpus callosum; SPASTIC PARAPLEGIA, AUTOSOMAL RECESSIVE, COMPLICATED, WITH THIN CORPUS CALLOSUM; SPASTIC PARAPLEGIA, AUTOSOMAL RECESSIVE, WITH MENTAL IMPAIRMENT AND THIN CORPUS CALLOSUM. Identifiers: Orphanet 2822, MedGen C1858479, MONDO:0011445, OMIM 604360.
Inborn genetic diseases. Identifiers: MedGen C0950123, MeSH D030342.
Charcot-Marie-Tooth disease axonal type 2X. Also called: CHARCOT-MARIE-TOOTH DISEASE, AXONAL, AUTOSOMAL RECESSIVE, TYPE 2X; CHARCOT-MARIE-TOOTH NEUROPATHY, TYPE 2X. Identifiers: Orphanet 466775, MedGen C5569024, MONDO:0014726, OMIM 616668.
SPG11-related disorder. Also called: SPG11-related condition.
Amyotrophic lateral sclerosis type 5 (ALS5). Also called: AMYOTROPHIC LATERAL SCLEROSIS 5, JUVENILE. Identifiers: Orphanet 300605, MedGen C1865864, MONDO:0011196, OMIM 602099.

Allele frequency attached by ClinVar (database versions not stated): gnomAD exomes 0.00012 and 0.00021; ESP Exome Variant Server 0.00015; 1000 Genomes Project 30x 0.00016; gnomAD 0.00016; TOPMed 0.00016; ExAC 0.00017; 1000 Genomes Project 0.00020.
gnomAD v4.1: 317 of 1,613,878 alleles (0.02%); highest among the groups gnomAD compares: Non-Finnish European, 0.023%; 1 homozygote.

Submissions (13):

CeGaT Center for Human Genetics Tuebingen
Classification: Uncertain significance. Last evaluated: 2026-04-01. Review status: criteria provided, single submitter. Criteria: CeGaT Center For Human Genetics Tuebingen Variant Classification Criteria Version 2. Collection method: clinical testing. Allele origin: germline. Affected: yes. Observed: 2 variant alleles.

PreventionGenetics, part of Exact Sciences
Classification: Uncertain significance for SPG11-related condition. Last evaluated: 2025-12-19. Review status: criteria provided, single submitter. Criteria: ACMG Guidelines, 2015. Collection method: clinical testing. Allele origin: germline.
Comment: The SPG11 c.6878G>A variant is predicted to result in the amino acid substitution p.Arg2293Gln. This variant was reported in an individual with Parkinson's disease (Reported as NM_001160227; p.R2180Q in Supp. Table 2, Ghani et al. 2015. PubMed ID: 25174650) and in an individual with amyotrophic lateral sclerosis (Table S3, Goutman et al. 2024. PubMed ID: 39044379). This variant is reported in 0.032% of alleles in individuals of European (Finnish) descent in gnomAD. At this time, the clinical significance of this variant is uncertain due to the absence of conclusive functional and genetic evidence.

Mayo Clinic Laboratories, Mayo Clinic
Classification: Uncertain significance. Last evaluated: 2025-12-17. Review status: criteria provided, single submitter. Criteria: ACMG Guidelines, 2015. Collection method: clinical testing. Allele origin: germline. Observed: 3 variant alleles.

Athena Diagnostics
Classification: Uncertain significance. Last evaluated: 2024-08-26. Review status: criteria provided, single submitter. Criteria: Athena Diagnostics Criteria. Collection method: clinical testing. Allele origin: unknown.
Comment: Available data are insufficient to determine the clinical significance of the variant at this time. The frequency of this variant in the general population is uninformative in assessment of its pathogenicity. Polyphen and MutationTaster yielded discordant predictions regarding whether this amino acid change is damaging to the protein.

Women's Health and Genetics/Laboratory Corporation of America, LabCorp
Classification: Uncertain significance. Last evaluated: 2024-01-11. Review status: criteria provided, single submitter. Criteria: LabCorp Variant Classification Summary - May 2015. Collection method: clinical testing. Allele origin: germline.
Comment: Variant summary: SPG11 c.6878G>A (p.Arg2293Gln) results in a conservative amino acid change located in the Spatacsin, C-terminal domain of the encoded protein sequence. Three of five in-silico tools predict a damaging effect of the variant on protein function. The variant allele was found at a frequency of 0.00012 in 251124 control chromosomes. This frequency is not significantly higher than estimated for a pathogenic variant in SPG11 causing Hereditary Spastic Paraplegia, Type 11 (0.00012 vs 0.0011), allowing no conclusion about variant significance. c.6878G>A has been reported in the literature in an individual affected with Parkinson's disease (Ghani_2016). This report does not provide unequivocal conclusions about association of the variant with Hereditary Spastic Paraplegia, Type 11. To our knowledge, no experimental evidence demonstrating an impact on protein function has been reported. The following publication have been ascertained in the context of this evaluation (PMID: 25174650). ClinVar contains an entry for this variant (Variation ID: 522343). Based on the evidence outlined above, the variant was classified as uncertain significance.

Ambry Genetics
Classification: Uncertain significance for Inborn genetic diseases. Last evaluated: 2023-11-30. Review status: criteria provided, single submitter. Criteria: Ambry Variant Classification Scheme 2023. Collection method: clinical testing. Allele origin: germline.

Labcorp Genetics (formerly Invitae), Labcorp
Classification: Uncertain significance for Hereditary spastic paraplegia 11. Last evaluated: 2022-08-15. Review status: criteria provided, single submitter. Criteria: Invitae Variant Classification Sherloc (09022015). Collection method: clinical testing. Allele origin: germline.
Comment: This sequence change replaces arginine, which is basic and polar, with glutamine, which is neutral and polar, at codon 2293 of the SPG11 protein (p.Arg2293Gln). This variant is present in population databases (rs201721414, gnomAD 0.04%). This missense change has been observed in individual(s) with Parkinson's disease (PMID: 25174650). This variant is also known as p.Arg2180Gln. ClinVar contains an entry for this variant (Variation ID: 522343). Algorithms developed to predict the effect of missense changes on protein structure and function output the following: SIFT: "Deleterious"; PolyPhen-2: "Possibly Damaging"; Align-GVGD: "Class C0". The glutamine amino acid residue is found in multiple mammalian species, which suggests that this missense change does not adversely affect protein function. In summary, the available evidence is currently insufficient to determine the role of this variant in disease. Therefore, it has been classified as a Variant of Uncertain Significance.

GeneDx
Classification: Uncertain significance. Last evaluated: 2021-01-19. Review status: criteria provided, single submitter. Criteria: GeneDx Variant Classification Process June 2021. Collection method: clinical testing. Allele origin: germline. Affected: yes.
Comment: Reported previously in a patient with Parkinson's disease, however further clinical information was not provided (Ghani et al., 2015); In silico analysis, which includes protein predictors and evolutionary conservation, supports that this variant does not alter protein structure/function; This variant is associated with the following publications: (PMID: 29119460, 25174650)

Clinical Genetics DNA and cytogenetics Diagnostics Lab, Erasmus MC, Erasmus Medical Center
Classification: Uncertain significance for Hereditary spastic paraplegia 11. Last evaluated: 2017-10-09. Review status: criteria provided, single submitter. Criteria: ACGS Guidelines, 2013. Collection method: clinical testing. Allele origin: germline. Affected: yes. Study: VKGL Data-share Consensus.

Genome-Nilou Lab
Classification: Uncertain significance for Amyotrophic lateral sclerosis type 5. Review status: criteria provided, single submitter. Criteria: ACMG Guidelines, 2015. Collection method: clinical testing. Allele origin: germline.

Genome-Nilou Lab
Classification: Uncertain significance for Charcot-Marie-Tooth disease axonal type 2X. Review status: criteria provided, single submitter. Criteria: ACMG Guidelines, 2015. Collection method: clinical testing. Allele origin: germline.

Genome-Nilou Lab
Classification: Uncertain significance for Hereditary spastic paraplegia 11. Review status: criteria provided, single submitter. Criteria: ACMG Guidelines, 2015. Collection method: clinical testing. Allele origin: germline.

Clinical Genetics, Academic Medical Center
Classification: Uncertain significance. Review status: no assertion criteria provided. Collection method: clinical testing. Allele origin: germline. Affected: yes. Study: VKGL Data-share Consensus. Not counted in ClinVar's aggregate classification.

Literature cited by the submitters: PubMed 25174650 (cited by 4 submitters); PubMed 29908077 (cited by Mayo Clinic Laboratories, Mayo Clinic and Athena Diagnostics); PubMed 39044379 (cited by Mayo Clinic Laboratories, Mayo Clinic and Athena Diagnostics); PubMed 32371905 (cited by Athena Diagnostics).